The following is an entry in ClinVar:

NM_032447.5(FBN3):c.6497A>T (p.Asp2166Val)

Gene: FBN3 (fibrillin 3; minus strand). Cytogenetic location: 19p13.2.
Variant type: single nucleotide variant.
Coding change: c.6497A>T on transcript NM_032447.5 (MANE Select); coding-DNA position 6497, A replaced by T.
Protein change: p.Asp2166Val; replaces aspartic acid 2166 with valine.
Molecular consequence: missense variant.
Genome position (GRCh38, 1-based): chr19:8,087,947, T>A on the plus strand (A>T on the coding strand, the complement: FBN3 is on the minus strand). VCF-style: chr19-8087947-T-A. GRCh37 (hg19) VCF-style: chr19-8152831-T-A.
Other names: c.6497A>T (NM_032447.3); c.6497A>T, p.Asp2166Val (NM_001321431.2); short protein forms D2166V.
Identifiers: ClinVar variation 3717538 (VCV003717538.3).

ClinVar aggregate classification (germline): Uncertain significance. Review status: criteria provided, multiple submitters, no conflicts (2 of 4 stars). 2 submissions from 2 submitters: Uncertain significance (2). Last evaluated 2025-08-21.

gnomAD v4.1: 20 of 1,613,936 alleles (0.0012%); highest among the groups gnomAD compares: Non-Finnish European, 0.0017%; no homozygotes.

Submissions (2):

Ambry Genetics
Classification: Uncertain significance. Last evaluated: 2025-08-21. Review status: criteria provided, single submitter. Criteria: Ambry Variant Classification Scheme 2023. Collection method: clinical testing. Allele origin: germline.

Labcorp Genetics (formerly Invitae), Labcorp
Classification: Uncertain significance. Last evaluated: 2024-08-08. Review status: criteria provided, single submitter. Criteria: Invitae Variant Classification Sherloc (09022015). Collection method: clinical testing. Allele origin: germline.
Comment: This sequence change replaces aspartic acid, which is acidic and polar, with valine, which is neutral and non-polar, at codon 2166 of the FBN3 protein (p.Asp2166Val). This variant is present in population databases (no rsID available, gnomAD 0.007%). This variant has not been reported in the literature in individuals affected with FBN3-related conditions. An algorithm developed to predict the effect of missense changes on protein structure and function (PolyPhen-2) suggests that this variant is likely to be disruptive. Algorithms developed to predict the effect of sequence changes on RNA splicing suggest that this variant may disrupt the consensus splice site. In summary, the available evidence is currently insufficient to determine the role of this variant in disease. Therefore, it has been classified as a Variant of Uncertain Significance.